The following is an entry in ClinVar:

ClinVar aggregate classification (germline): Uncertain significance. Review status: criteria provided, multiple submitters, no conflicts (2 of 4 stars). 3 submissions from 3 submitters: Uncertain significance (3). Last evaluated 2025-10-01.

Conditions:
Familial sleep-related hypermotor epilepsy. Also called: Autosomal Dominant Sleep-Related Hypermotor (Hyperkinetic) Epilepsy. Identifiers: Orphanet 98784, MedGen C3696898, MONDO:0000030.
Inborn genetic diseases. Identifiers: MedGen C0950123, MeSH D030342.

Allele frequency attached by ClinVar (database versions not stated): gnomAD 0.00001; gnomAD exomes 0.00001; ESP Exome Variant Server 0.00008.
gnomAD v4.1: 15 of 1,613,942 alleles (0.00093%); highest among the groups gnomAD compares: African/African-American, 0.0053%; no homozygotes.

Submissions (3):

Labcorp Genetics (formerly Invitae), Labcorp
Classification: Uncertain significance. Last evaluated: 2025-10-01. Review status: criteria provided, single submitter. Criteria: Invitae Variant Classification Sherloc (09022015). Collection method: clinical testing. Allele origin: germline.
Comment: This sequence change replaces aspartic acid, which is acidic and polar, with asparagine, which is neutral and polar, at codon 459 of the CHRNB2 protein (p.Asp459Asn). This variant is not present in population databases (gnomAD no frequency). This variant has not been reported in the literature in individuals affected with CHRNB2-related conditions. ClinVar contains an entry for this variant (Variation ID: 957090). Invitae Evidence Modeling of protein sequence and biophysical properties (such as structural, functional, and spatial information, amino acid conservation, physicochemical variation, residue mobility, and thermodynamic stability) has been performed for this missense variant. However, the output from this modeling did not meet the statistical confidence thresholds required to predict the impact of this variant on CHRNB2 protein function. In summary, the available evidence is currently insufficient to determine the role of this variant in disease. Therefore, it has been classified as a Variant of Uncertain Significance.

Ambry Genetics
Classification: Uncertain significance for Inborn genetic diseases. Last evaluated: 2024-04-30. Review status: criteria provided, single submitter. Criteria: Ambry Variant Classification Scheme 2023. Collection method: clinical testing. Allele origin: germline.

GeneDx
Classification: Uncertain significance. Last evaluated: 2019-09-17. Review status: criteria provided, single submitter. Criteria: GeneDx Variant Classification Process June 2021. Collection method: clinical testing. Allele origin: germline. Affected: yes.
Comment: Not observed in large population cohorts (Lek et al., 2016); In silico analysis, which includes protein predictors and evolutionary conservation, supports a deleterious effect; Has not been previously published as pathogenic or benign to our knowledge

NM_000748.3(CHRNB2):c.1375G>A (p.Asp459Asn)

Gene: CHRNB2 (cholinergic receptor nicotinic beta 2 subunit; plus strand). Cytogenetic location: 1q21.3.
Variant type: single nucleotide variant.
Coding change: c.1375G>A on transcript NM_000748.3 (MANE Select); coding-DNA position 1375, G replaced by A.
Protein change: p.Asp459Asn; replaces aspartic acid 459 with asparagine.
Molecular consequence: missense variant.
Genome position (GRCh38, 1-based): chr1:154,575,798, G>A. VCF-style: chr1-154575798-G-A. GRCh37 (hg19) VCF-style: chr1-154548274-G-A.
Other names: short protein forms D459N.
Identifiers: ClinVar variation 957090 (VCV000957090.12), dbSNP rs140505576, ClinGen allele CA30837374.
Genomic context (GRCh38, chr1:154,575,798, plus strand): 5'-GCCTCCTCCGTCTCCTCCATCCAGGTGAGTGAGGACTGGAAGTACGTCGCCATGGTGATC[G>A]ACCGCCTCTTCCTCTGGATCTTTGTCTTTGTCTGTGTCTTTGGCACCATCGGCATGTTCC-3'
Protein context (NP_000739.1, residues 449-469): EDWKYVAMVI[Asp459Asn]RLFLWIFVFV